The following is an entry in ClinVar:

NM_017570.5(OPLAH):c.402G>A (p.Leu134=)

Gene: OPLAH (5-oxoprolinase, ATP-hydrolysing; minus strand). Cytogenetic location: 8q24.3.
Variant type: single nucleotide variant.
Coding change: c.402G>A on transcript NM_017570.5 (MANE Select); coding-DNA position 402, G replaced by A.
Protein change: p.Leu134=; no amino-acid change (leucine 134 retained).
Molecular consequence: synonymous variant.
Genome position (GRCh38, 1-based): chr8:144,059,041, C>T on the plus strand (G>A on the coding strand, the complement: OPLAH is on the minus strand). VCF-style: chr8-144059041-C-T. GRCh37 (hg19) VCF-style: chr8-145113944-C-T.
Identifiers: ClinVar variation 776393 (VCV000776393.15), dbSNP rs200748510, ClinGen allele CA4932304.

ClinVar aggregate classification (germline): Benign/Likely benign. Review status: criteria provided, multiple submitters, no conflicts (2 of 4 stars). 6 submissions from 6 submitters: Benign (3); Likely benign (3). Last evaluated 2026-07-01.

Conditions:
OPLAH-related disorder. Also called: OPLAH-related condition.
5-Oxoprolinase deficiency (OPLAHD). Also called: 5-OXOPROLINURIA DUE TO 5-OXOPROLINASE DEFICIENCY. Identifiers: Orphanet 33572, MedGen C0268525, MONDO:0009825, OMIM 260005, HP:0040142.

Allele frequency attached by ClinVar (database versions not stated): gnomAD exomes 0.00039 and 0.00087; ExAC 0.00243; gnomAD 0.00392 and 0.00423; ESP Exome Variant Server 0.00413; 1000 Genomes Project 0.00439; TOPMed 0.00440; 1000 Genomes Project 30x 0.00515.
gnomAD v4.1: 1,173 of 1,590,364 alleles (0.074%); highest among the groups gnomAD compares: African/African-American, 1.4%; 11 homozygotes.

Submissions (6):

CeGaT Center for Human Genetics Tuebingen
Classification: Likely benign. Last evaluated: 2026-07-01. Review status: criteria provided, single submitter. Criteria: CeGaT Center For Human Genetics Tuebingen Variant Classification Criteria Version 2. Collection method: clinical testing. Allele origin: germline. Affected: yes. Observed: 1 variant allele.
Comment: OPLAH: BP4, BS1

Labcorp Genetics (formerly Invitae), Labcorp
Classification: Benign for 5-Oxoprolinase deficiency. Last evaluated: 2026-01-06. Review status: criteria provided, single submitter. Criteria: Invitae Variant Classification Sherloc (09022015). Collection method: clinical testing. Allele origin: germline.

PreventionGenetics, part of Exact Sciences
Classification: Likely benign for OPLAH-related condition. Last evaluated: 2025-04-01. Review status: criteria provided, single submitter. Criteria: ACMG Guidelines, 2015. Collection method: clinical testing. Allele origin: germline.
Comment: This variant is classified as likely benign based on ACMG/AMP sequence variant interpretation guidelines (Richards et al. 2015 PMID: 25741868, with internal and published modifications).

Blueprint Genetics
Classification: Likely benign. Last evaluated: 2024-09-24. Review status: criteria provided, single submitter. Criteria: ACMG Guidelines, 2015. Collection method: clinical testing. Allele origin: germline.

Fulgent Genetics
Classification: Benign for 5-Oxoprolinase deficiency. Last evaluated: 2021-08-19. Review status: criteria provided, single submitter. Criteria: ACMG Guidelines, 2015. Collection method: clinical testing. Allele origin: unknown.

Breakthrough Genomics
Classification: Benign. Review status: criteria provided, single submitter. Criteria: ACMG Guidelines, 2015. Collection method: not provided. Allele origin: germline. Inheritance: Autosomal recessive inheritance. Affected: yes.